The following is an entry in ClinVar:

NM_001385012.1(NBEA):c.6223C>T (p.Leu2075Phe)

Gene: NBEA (neurobeachin; plus strand). Cytogenetic location: 13q13.3.
Variant type: single nucleotide variant.
Coding change: c.6223C>T on transcript NM_001385012.1 (MANE Select); coding-DNA position 6223, C replaced by T.
Protein change: p.Leu2075Phe; replaces leucine 2075 with phenylalanine.
Molecular consequence: missense variant.
Genome position (GRCh38, 1-based): chr13:35,432,312, C>T. VCF-style: chr13-35432312-C-T. GRCh37 (hg19) VCF-style: chr13-36006449-C-T.
Other names: c.6214C>T, p.Leu2072Phe (NM_001379245.1); c.6223C>T, p.Leu2075Phe (NM_015678.5); short protein forms L2072F, L2075F.
Identifiers: ClinVar variation 3367655 (VCV003367655.1).
Genomic context (GRCh38, chr13:35,432,312, plus strand): 5'-TTTCCCTCTACTCTTAGCCAATTGCATGATTTCTGGCGTTTGGATTACTGGGAAGATGAT[C>T]TTCGTCGAAGGAGACGATTTGTTCGCAATGCATTTGGCTCCACTCATGCTGAAGCATTGC-3'
Protein context (NP_001371941.1, residues 2065-2085): FWRLDYWEDD[Leu2075Phe]RRRRRFVRNA

ClinVar aggregate classification (germline): Uncertain significance (1 of 4 stars; one submission).

Submission:

GeneDx
Classification: Uncertain significance. Last evaluated: 2024-01-05. Review status: criteria provided, single submitter. Criteria: GeneDx Variant Classification Process June 2021. Collection method: clinical testing. Allele origin: germline. Affected: yes.
Comment: Not observed at significant frequency in large population cohorts (gnomAD); In silico analysis supports that this missense variant has a deleterious effect on protein structure/function; Has not been previously published as pathogenic or benign to our knowledge